The following is an entry in ClinVar:

NM_001146.5(ANGPT1):c.716G>T (p.Arg239Ile)

Gene: ANGPT1 (angiopoietin 1; minus strand). Cytogenetic location: 8q23.1.
Variant type: single nucleotide variant.
Coding change: c.716G>T on transcript NM_001146.5 (MANE Select); coding-DNA position 716, G replaced by T.
Protein change: p.Arg239Ile; replaces arginine 239 with isoleucine.
Molecular consequence: missense variant.
Genome position (GRCh38, 1-based): chr8:107,321,988, C>A on the plus strand (G>T on the coding strand, the complement: ANGPT1 is on the minus strand). VCF-style: chr8-107321988-C-A. GRCh37 (hg19) VCF-style: chr8-108334216-C-A.
Other names: c.716G>T, p.Arg239Ile (NM_001199859.3); c.116G>T, p.Arg39Ile (NM_001314051.2); short protein forms R39I, R239I.
Identifiers: ClinVar variation 2003766 (VCV002003766.4), dbSNP rs2488252041, ClinGen allele CA372033907.

ClinVar aggregate classification (germline): Uncertain significance (1 of 4 stars; one submission).

Submission:

Labcorp Genetics (formerly Invitae), Labcorp
Classification: Uncertain significance. Last evaluated: 2022-06-09. Review status: criteria provided, single submitter. Criteria: Invitae Variant Classification Sherloc (09022015). Collection method: clinical testing. Allele origin: germline.
Comment: In summary, the available evidence is currently insufficient to determine the role of this variant in disease. Therefore, it has been classified as a Variant of Uncertain Significance. Algorithms developed to predict the effect of missense changes on protein structure and function are either unavailable or do not agree on the potential impact of this missense change (SIFT: "Deleterious"; PolyPhen-2: "Benign"; Align-GVGD: "Class C35"). This variant has not been reported in the literature in individuals affected with ANGPT1-related conditions. This variant is not present in population databases (gnomAD no frequency). This sequence change replaces arginine, which is basic and polar, with isoleucine, which is neutral and non-polar, at codon 239 of the ANGPT1 protein (p.Arg239Ile).